The following is an entry in ClinVar:

ClinVar aggregate classification (germline): Uncertain significance (1 of 4 stars; one submission).

Submission:

HudsonAlpha Institute for Biotechnology
Classification: Uncertain significance. Last evaluated: 2019-08-28. Review status: criteria provided, single submitter. Criteria: ACMG Guidelines, 2015. Collection method: research. Allele origin: de novo. Observed: 1 variant allele. Study: CSER-SouthSeq.
Comment: ACMG codes: PM2

NM_003021.4(SGTA):c.823C>T (p.Gln275Ter)

Gene: SGTA (small glutamine rich tetratricopeptide repeat co-chaperone alpha; minus strand). Cytogenetic location: 19p13.3.
Variant type: single nucleotide variant.
Coding change: c.823C>T on transcript NM_003021.4 (MANE Select); coding-DNA position 823, C replaced by T.
Protein change: p.Gln275Ter; replaces glutamine 275 with a stop codon.
Molecular consequence: nonsense.
Genome position (GRCh38, 1-based): chr19:2,757,697, G>A on the plus strand (C>T on the coding strand, the complement: SGTA is on the minus strand). VCF-style: chr19-2757697-G-A. GRCh37 (hg19) VCF-style: chr19-2757695-G-A.
Other names: short protein forms Q275*.
Identifiers: ClinVar variation 690305 (VCV000690305.2), dbSNP rs1599495454, ClinGen allele CA403271138.